The following is an entry in ClinVar:

ClinVar aggregate classification (germline): Uncertain significance (1 of 4 stars; one submission).

Submission:

GeneDx
Classification: Uncertain significance. Last evaluated: 2023-12-22. Review status: criteria provided, single submitter. Criteria: GeneDx Variant Classification Process June 2021. Collection method: clinical testing. Allele origin: germline. Affected: yes.
Comment: Not observed at significant frequency in large population cohorts (gnomAD); In silico analysis supports that this variant does not alter protein structure/function; Has not been previously published as pathogenic or benign to our knowledge

NM_032188.3(KAT8):c.80_82delinsGGG (p.Glu27_Asn28delinsGlyAsp)

Gene: KAT8 (lysine acetyltransferase 8; plus strand). Cytogenetic location: 16p11.2.
Variant type: Indel.
Coding change: c.80_82delinsGGG on transcript NM_032188.3 (MANE Select); coding-DNA positions 80 to 82, AGA replaced by GGG.
Protein change: p.Glu27_Asn28delinsGlyAsp.
Molecular consequence: missense variant.
Genome position (GRCh38, 1-based): chr16:31,117,761-31,117,763, AGA replaced by GGG. VCF-style: chr16-31117761-AGA-GGG. GRCh37 (hg19) VCF-style: chr16-31129082-AGA-GGG.
Other names: c.80_82delinsGGG, p.Glu27_Asn28delinsGlyAsp (NM_182958.4).
Identifiers: ClinVar variation 3370270 (VCV003370270.1).